The following is an entry in ClinVar:

NM_004655.4(AXIN2):c.1641C>T (p.Ser547=)

Gene: AXIN2 (axin 2; minus strand). Cytogenetic location: 17q24.1.
Variant type: single nucleotide variant.
Coding change: c.1641C>T on transcript NM_004655.4 (MANE Select); coding-DNA position 1641, C replaced by T.
Protein change: p.Ser547=; no amino-acid change (serine 547 retained).
Molecular consequence: synonymous variant.
Genome position (GRCh38, 1-based): chr17:65,537,395, G>A on the plus strand (C>T on the coding strand, the complement: AXIN2 is on the minus strand). VCF-style: chr17-65537395-G-A. GRCh37 (hg19) VCF-style: chr17-63533513-G-A.
Other names: c.1641C>T, p.Ser547= (NM_001363813.1).
Identifiers: ClinVar variation 1041833 (VCV001041833.10), dbSNP rs2043946409, ClinGen allele CA501691126.
Genomic context (GRCh38, chr17:65,537,395, plus strand): 5'-GCTGGGCATGGTTTCCGGAGCCTTGGAGTGGCTTTTGCATTTCGAGTAGCAGTAATACTC[G>A]CTGCCCCCAGGGCAGAAGCAGTGCACCCGCTGCGTGGCCTCCGCCTCGATCTCCTCCTTG-3'
Protein context (NP_004646.3, residues 537-557): QRVHCFCPGG[Ser547=]EYYCYSKCKS

ClinVar aggregate classification (germline): Conflicting classifications of pathogenicity. Review status: criteria provided, conflicting classifications (1 of 4 stars). 3 submissions from 3 submitters: Uncertain significance (1); Likely benign (2). Last evaluated 2024-07-10.

Conditions:
Oligodontia-cancer predisposition syndrome. Also called: TOOTH AGENESIS-COLORECTAL CANCER SYNDROME. Identifiers: Orphanet 300576, MedGen C1837750, MONDO:0012075, OMIM 608615. Disease mechanism: loss of function.
Hereditary cancer-predisposing syndrome. Also called: Hereditary Cancer Syndrome; Tumor predisposition; Hereditary neoplastic syndrome; Neoplastic Syndromes, Hereditary. Identifiers: Orphanet 140162, MedGen C0027672, MeSH D009386, MONDO:0015356.

gnomAD v4.1: 1 of 1,614,042 alleles (0.000062%); highest among the groups gnomAD compares: Non-Finnish European, 0.000085%; no homozygotes.

Submissions (3):

Labcorp Genetics (formerly Invitae), Labcorp
Classification: Likely benign for Oligodontia-cancer predisposition syndrome. Last evaluated: 2024-07-10. Review status: criteria provided, single submitter. Criteria: Invitae Variant Classification Sherloc (09022015). Collection method: clinical testing. Allele origin: germline.

GeneDx
Classification: Uncertain significance. Last evaluated: 2022-04-06. Review status: criteria provided, single submitter. Criteria: GeneDx Variant Classification Process June 2021. Collection method: clinical testing. Allele origin: germline. Affected: yes.
Comment: Not observed at significant frequency in large population cohorts (gnomAD); Has not been previously published as pathogenic or benign to our knowledge; In silico analysis, which includes splice predictors and evolutionary conservation, suggests this variant may impact gene splicing. In the absence of RNA/functional studies, the actual effect of this sequence change is unknown.

Ambry Genetics
Classification: Likely benign for Hereditary cancer-predisposing syndrome. Last evaluated: 2020-04-09. Review status: criteria provided, single submitter. Criteria: Ambry Variant Classification Scheme 2023. Collection method: clinical testing. Allele origin: germline.